The following is an entry in ClinVar:

NM_198965.2(PTHLH):c.497C>A (p.Ser166Tyr)

Gene: PTHLH (parathyroid hormone like hormone; minus strand). Cytogenetic location: 12p11.22.
Variant type: single nucleotide variant.
Coding change: c.497C>A on transcript NM_198965.2 (MANE Select); coding-DNA position 497, C replaced by A.
Protein change: p.Ser166Tyr; replaces serine 166 with tyrosine.
Molecular consequence: missense variant.
Genome position (GRCh38, 1-based): chr12:27,963,375, G>T on the plus strand (C>A on the coding strand, the complement: PTHLH is on the minus strand). VCF-style: chr12-27963375-G-T. GRCh37 (hg19) VCF-style: chr12-28116308-G-T.
Other names: c.497C>A, p.Ser166Tyr (NM_002820.3, NM_198964.2, NM_198966.2); short protein forms S166Y.
Identifiers: ClinVar variation 3696754 (VCV003696754.2).

ClinVar aggregate classification (germline): Uncertain significance (1 of 4 stars; one submission).

Submission:

Labcorp Genetics (formerly Invitae), Labcorp
Classification: Uncertain significance. Last evaluated: 2024-04-04. Review status: criteria provided, single submitter. Criteria: Invitae Variant Classification Sherloc (09022015). Collection method: clinical testing. Allele origin: germline.
Comment: This sequence change replaces serine, which is neutral and polar, with tyrosine, which is neutral and polar, at codon 166 of the PTHLH protein (p.Ser166Tyr). This variant is not present in population databases (gnomAD no frequency). This variant has not been reported in the literature in individuals affected with PTHLH-related conditions. An algorithm developed to predict the effect of missense changes on protein structure and function (PolyPhen-2) suggests that this variant is likely to be tolerated. In summary, the available evidence is currently insufficient to determine the role of this variant in disease. Therefore, it has been classified as a Variant of Uncertain Significance.